The following is an entry in ClinVar:

NM_001365951.3(KIF1B):c.2359G>A (p.Val787Met)

Gene: KIF1B (kinesin family member 1B; plus strand). Cytogenetic location: 1p36.22.
Variant type: single nucleotide variant.
Coding change: c.2359G>A on transcript NM_001365951.3 (MANE Select); coding-DNA position 2359, G replaced by A.
Protein change: p.Val787Met; replaces valine 787 with methionine.
Molecular consequence: missense variant.
Genome position (GRCh38, 1-based): chr1:10,323,884, G>A. VCF-style: chr1-10323884-G-A. GRCh37 (hg19) VCF-style: chr1-10383942-G-A.
Other names: c.2359G>A, p.Val787Met (NM_001365952.1); c.2221G>A, p.Val741Met (NM_015074.3); short protein forms V787M, V741M.
Identifiers: ClinVar variation 2829566 (VCV002829566.3), dbSNP rs2521621964, ClinGen allele CA338334170.

ClinVar aggregate classification (germline): Uncertain significance (1 of 4 stars; one submission).

Conditions:
Charcot-Marie-Tooth disease type 2. Also called: Charcot-Marie-Tooth type 2. Identifiers: Orphanet 64746, MedGen C0270914, MONDO:0018993.

Submission:

Labcorp Genetics (formerly Invitae), Labcorp
Classification: Uncertain significance for Charcot-Marie-Tooth disease type 2. Last evaluated: 2023-01-17. Review status: criteria provided, single submitter. Criteria: Invitae Variant Classification Sherloc (09022015). Collection method: clinical testing. Allele origin: germline.
Comment: Algorithms developed to predict the effect of missense changes on protein structure and function are either unavailable or do not agree on the potential impact of this missense change (SIFT: "Deleterious"; PolyPhen-2: "Probably Damaging"; Align-GVGD: "Class C0"). In summary, the available evidence is currently insufficient to determine the role of this variant in disease. Therefore, it has been classified as a Variant of Uncertain Significance. This variant has not been reported in the literature in individuals affected with KIF1B-related conditions. This sequence change replaces valine, which is neutral and non-polar, with methionine, which is neutral and non-polar, at codon 741 of the KIF1B protein (p.Val741Met). This variant is not present in population databases (gnomAD no frequency).